The following is an entry in ClinVar:

ClinVar aggregate classification (germline): Uncertain significance (1 of 4 stars; one submission).

Conditions:
Familial thoracic aortic aneurysm and aortic dissection (TAAD). Also called: Thoracic aortic aneurysms and dissections. Identifiers: Orphanet 91387, MedGen C4707243, MONDO:0019625.

gnomAD v4.1: 2 of 1,614,018 alleles (0.00012%); highest among the groups gnomAD compares: East Asian, 0.0045%; no homozygotes.

Submission:

All of Us Research Program, National Institutes of Health
Classification: Uncertain significance for Familial thoracic aortic aneurysm and aortic dissection. Last evaluated: 2023-06-26. Review status: criteria provided, single submitter. Criteria: ACMG Guidelines, 2015. Collection method: clinical testing. Allele origin: germline. Inheritance: Autosomal dominant inheritance. Observed: 2 variant alleles, 2 heterozygotes.
Comment: This missense variant replaces asparagine with threonine at codon 1904 of the MYH11 protein. Computational prediction suggests that this variant may not impact protein structure and function (internally defined REVEL score threshold <= 0.5, PMID: 27666373). To our knowledge, functional studies have not been reported for this variant. This variant has not been reported in individuals affected with MYH11-related disorders in the literature. This variant has been identified in 2/251294 chromosomes in the general population by the Genome Aggregation Database (gnomAD). The available evidence is insufficient to determine the role of this variant in disease conclusively. Therefore, this variant is classified as a Variant of Uncertain Significance.

This study involves interpretation of variants in research participants for the purpose of population health screening. Participant phenotype was not available at the time of variant classification. Additional details can be found in publication PMID: 35346344, PMCID: PMC8962531

NM_002474.3(MYH11):c.5690A>C (p.Asn1897Thr)

Genes: MYH11 (myosin heavy chain 11; minus strand), NDE1 (nudE neurodevelopment protein 1; plus strand). Cytogenetic location: 16p13.11.
Variant type: single nucleotide variant.
Coding change: c.5690A>C on transcript NM_002474.3 (MANE Select); coding-DNA position 5690, A replaced by C.
Protein change: p.Asn1897Thr; replaces asparagine 1897 with threonine.
Molecular consequence: missense variant. On other transcripts: intron variant (2).
Genome position (GRCh38, 1-based): chr16:15,715,005, T>G on the plus strand (A>C on the coding strand, the complement: MYH11 is on the minus strand). VCF-style: chr16-15715005-T-G. GRCh37 (hg19) VCF-style: chr16-15808862-T-G.
Other names: c.5711A>C, p.Asn1904Thr (NM_001040113.2, NM_001040114.2); c.5690A>C, p.Asn1897Thr (NM_022844.3); c.948-9186T>G (NM_001143979.2, NM_017668.3); short protein forms N1897T, N1904T.
Identifiers: ClinVar variation 3070962 (VCV003070962.1), dbSNP rs776619789, ClinGen allele CA7921163.
Genomic context (GRCh38, chr16:15,715,005, plus strand): 5'-ATGGCCTCGTTGCTCTCCGTGGCCTCATCCAGCTCCCGCTGCAGCTTCCTGCGGTTGGCG[T>G]TGATGCGCTGGGACTCCTCCTCTGCCTCCTCCAGCTGCCTCTTGAGCTGCTTGACCCTGG-3'
Protein context (NP_002465.1, residues 1887-1907): EEAEEESQRI[Asn1897Thr]ANRRKLQREL